The following is an entry in ClinVar:

ClinVar aggregate classification (germline): Uncertain significance (1 of 4 stars; one submission).

Submission:

Labcorp Genetics (formerly Invitae), Labcorp
Classification: Uncertain significance. Last evaluated: 2023-10-04. Review status: criteria provided, single submitter. Criteria: Invitae Variant Classification Sherloc (09022015). Collection method: clinical testing. Allele origin: germline.
Comment: This sequence change replaces proline, which is neutral and non-polar, with alanine, which is neutral and non-polar, at codon 668 of the RAI1 protein (p.Pro668Ala). This variant is not present in population databases (gnomAD no frequency). This variant has not been reported in the literature in individuals affected with RAI1-related conditions. Advanced modeling of protein sequence and biophysical properties (such as structural, functional, and spatial information, amino acid conservation, physicochemical variation, residue mobility, and thermodynamic stability) performed at Invitae indicates that this missense variant is not expected to disrupt RAI1 protein function. In summary, the available evidence is currently insufficient to determine the role of this variant in disease. Therefore, it has been classified as a Variant of Uncertain Significance.

NM_030665.4(RAI1):c.2002C>G (p.Pro668Ala)

Gene: RAI1 (retinoic acid induced 1; plus strand). Cytogenetic location: 17p11.2.
Variant type: single nucleotide variant.
Coding change: c.2002C>G on transcript NM_030665.4 (MANE Select); coding-DNA position 2002, C replaced by G.
Protein change: p.Pro668Ala; replaces proline 668 with alanine.
Molecular consequence: missense variant.
Genome position (GRCh38, 1-based): chr17:17,794,950, C>G. VCF-style: chr17-17794950-C-G. GRCh37 (hg19) VCF-style: chr17-17698264-C-G.
Other names: short protein forms P668A.
Identifiers: ClinVar variation 2764990 (VCV002764990.3), dbSNP rs2508579097, ClinGen allele CA398549743.